The following is an entry in ClinVar:

ClinVar aggregate classification (germline): Uncertain significance. Review status: criteria provided, multiple submitters, no conflicts (2 of 4 stars). 2 submissions from 2 submitters: Uncertain significance (2). Last evaluated 2025-02-05.

Submissions (2):

GeneDx
Classification: Uncertain significance. Last evaluated: 2025-02-05. Review status: criteria provided, single submitter. Criteria: GeneDx Variant Classification Process June 2021. Collection method: clinical testing. Allele origin: germline. Affected: yes.
Comment: Not observed at significant frequency in large population cohorts (gnomAD); In silico analysis indicates that this missense variant does not alter protein structure/function; Has not been previously published as pathogenic or benign to our knowledge

Blueprint Genetics
Classification: Uncertain significance. Last evaluated: 2019-09-12. Review status: criteria provided, single submitter. Criteria: ACMG Guidelines, 2015. Collection method: clinical testing. Allele origin: germline.

NM_031407.7(HUWE1):c.6286G>A (p.Val2096Met)

Gene: HUWE1 (HECT, UBA and WWE domain containing E3 ubiquitin protein ligase 1; minus strand). Cytogenetic location: Xp11.22.
Variant type: single nucleotide variant.
Coding change: c.6286G>A on transcript NM_031407.7 (MANE Select); coding-DNA position 6286, G replaced by A.
Protein change: p.Val2096Met; replaces valine 2096 with methionine.
Molecular consequence: missense variant.
Genome position (GRCh38, 1-based): chrX:53,573,776, C>T on the plus strand (G>A on the coding strand, the complement: HUWE1 is on the minus strand). VCF-style: chrX-53573776-C-T. GRCh37 (hg19) VCF-style: chrX-53600736-C-T.
Other names: c.6283G>A, p.Val2095Met (NM_001441048.1, NM_001441051.1, NM_001441053.1 and 2 more transcripts); c.6286G>A, p.Val2096Met (NM_001441049.1, NM_001441052.1, NM_001441054.1 and 1 more transcripts); c.6307G>A, p.Val2103Met (NM_001441050.1, NM_001441055.1); short protein forms V2095M, V2096M, V2103M.
Identifiers: ClinVar variation 4074482 (VCV004074482.2).